The following is an entry in ClinVar:

NM_006767.4(LZTR1):c.2359G>A (p.Asp787Asn)

Gene: LZTR1 (leucine zipper like post translational regulator 1; plus strand). Cytogenetic location: 22q11.21.
Variant type: single nucleotide variant.
Coding change: c.2359G>A on transcript NM_006767.4 (MANE Select); coding-DNA position 2359, G replaced by A.
Protein change: p.Asp787Asn; replaces aspartic acid 787 with asparagine.
Molecular consequence: missense variant.
Genome position (GRCh38, 1-based): chr22:20,996,919, G>A. VCF-style: chr22-20996919-G-A. GRCh37 (hg19) VCF-style: chr22-21351208-G-A.
Other names: short protein forms D787N.
Identifiers: ClinVar variation 3238236 (VCV003238236.1), dbSNP rs2147970548.
Genomic context (GRCh38, chr22:20,996,919, plus strand): 5'-AGCGCCTCAAGGTCCCTGCCATTGCAGATCCTGGAGGCAGCTGACAAAACGCAGGCACTG[G>A]ACATGAAGCGGCACTGCCTGCACATCATTGTGCACCAGTTCACCAAGGTCAGGGCTCTGG-3'
Protein context (NP_006758.2, residues 777-797): LEAADKTQAL[Asp787Asn]MKRHCLHIIV

ClinVar aggregate classification (germline): Uncertain significance (1 of 4 stars; one submission).

Conditions:
Hereditary cancer-predisposing syndrome. Also called: Neoplastic Syndromes, Hereditary; Tumor predisposition; Hereditary neoplastic syndrome; Hereditary Cancer Syndrome. Identifiers: Orphanet 140162, MedGen C0027672, MeSH D009386, MONDO:0015356.
Cardiovascular phenotype. Identifiers: MedGen CN230736.

Submission:

Ambry Genetics
Classification: Uncertain significance for Cardiovascular phenotype; Hereditary cancer-predisposing syndrome. Last evaluated: 2023-03-22. Review status: criteria provided, single submitter. Criteria: Ambry Variant Classification Scheme 2023. Collection method: clinical testing. Allele origin: germline.
Comment: The p.D787N variant (also known as c.2359G>A), located in coding exon 20 of the LZTR1 gene, results from a G to A substitution at nucleotide position 2359. The aspartic acid at codon 787 is replaced by asparagine, an amino acid with highly similar properties. This amino acid position is conserved. In addition, this alteration is predicted to be tolerated by in silico analysis. Since supporting evidence is limited at this time, the clinical significance of this alteration remains unclear.